The following is an entry in ClinVar:

NM_005445.4(SMC3):c.3479T>C (p.Met1160Thr)

Gene: SMC3 (structural maintenance of chromosomes 3; plus strand). Cytogenetic location: 10q25.2.
Variant type: single nucleotide variant.
Coding change: c.3479T>C on transcript NM_005445.4 (MANE Select); coding-DNA position 3479, T replaced by C.
Protein change: p.Met1160Thr; replaces methionine 1160 with threonine.
Molecular consequence: missense variant.
Genome position (GRCh38, 1-based): chr10:110,603,187, T>C. VCF-style: chr10-110603187-T-C. GRCh37 (hg19) VCF-style: chr10-112362945-T-C.
Other names: short protein forms M1160T.
Identifiers: ClinVar variation 3769878 (VCV003769878.1).
Genomic context (GRCh38, chr10:110,603,187, plus strand): 5'-TTAAATTTTCAGATCTGCTGAAAAGAAATTTGTTAAAGCACAATTTTCTTTTTACAGATA[T>C]GATTATGGAACTTGCTGTACATGCTCAGTTTATTACAACTACTTTTAGGCCTGAACTGCT-3'
Protein context (NP_005436.1, residues 1150-1170): DAQHRKAVSD[Met1160Thr]IMELAVHAQF

ClinVar aggregate classification (germline): Uncertain significance (1 of 4 stars; one submission).

Submission:

GeneDx
Classification: Uncertain significance. Last evaluated: 2024-09-06. Review status: criteria provided, single submitter. Criteria: GeneDx Variant Classification Process June 2021. Collection method: clinical testing. Allele origin: germline. Affected: yes.
Comment: Not observed at significant frequency in large population cohorts (gnomAD); In silico analysis supports that this missense variant has a deleterious effect on protein structure/function; Has not been previously published as pathogenic or benign to our knowledge